The following is an entry in ClinVar:

NM_025103.4(IFT74):c.526-12_526-8del

Gene: IFT74 (intraflagellar transport 74; plus strand). Cytogenetic location: 9p21.2.
Variant type: Deletion.
Coding change: c.526-12_526-8del on transcript NM_025103.4 (MANE Select); 12 bases into the intron before coding-DNA position 526 through 8 bases into the intron before coding-DNA position 526, 5 bases deleted (AACTT; older notation c.526-12_526-8delAACTT).
Molecular consequence: intron variant.
Genome position (GRCh38, 1-based): chr9:26,990,122-26,990,126, AACTT deleted; deleting any 5 consecutive bases within chr9:26,990,120-26,990,126 gives the same sequence; the c. name uses the placement nearest the transcript's 3' end. VCF-style (leftmost placement, unchanged base first): chr9-26990119-GTTAAC-G. GRCh37 (hg19) VCF-style: chr9-26990117-GTTAAC-G.
Other names: c.526-12_526-8del (NM_001099223.3, NM_001099222.3, NM_001349928.2 and 1 more transcripts); c.526-12_526-8del5 (NM_025103.2).
Identifiers: ClinVar variation 1940927 (VCV001940927.6), dbSNP rs1587297647, ClinGen allele CA918433548.
Genomic context (GRCh38, chr9:26,990,119, plus strand): 5'-AGCCAAAATAACCTACAAAGAAAAAATTTGGTTTAATATTTATTTCTTACTAACTTATGT[GTTAAC>G]TTTATTCAGCTTAAAGCTCAAAATGATCGAGAAACACAAAGTTTGGATGTCATATTTACT-3'

ClinVar aggregate classification (germline): Likely benign. Review status: criteria provided, single submitter (1 of 4 stars). 2 submissions from 2 submitters: Likely benign (1). 1 of the submissions does not count toward it. Last evaluated 2022-06-17.

Conditions:
IFT74-related disorder. Also called: IFT74-related condition; IFT74-Related Disorders.

Submissions (2):

Labcorp Genetics (formerly Invitae), Labcorp
Classification: Likely benign. Last evaluated: 2022-06-17. Review status: criteria provided, single submitter. Criteria: Invitae Variant Classification Sherloc (09022015). Collection method: clinical testing. Allele origin: germline.

PreventionGenetics, part of Exact Sciences
Classification: Likely benign for IFT74-related condition. Last evaluated: 2021-12-30. Review status: no assertion criteria provided. Collection method: clinical testing. Allele origin: germline. Not counted in ClinVar's aggregate classification.
Comment: This variant is classified as likely benign based on ACMG/AMP sequence variant interpretation guidelines (Richards et al. 2015 PMID: 25741868, with internal and published modifications).